The following is an entry in ClinVar:

ClinVar aggregate classification (germline): Pathogenic/Likely pathogenic. Review status: criteria provided, multiple submitters, no conflicts (2 of 4 stars). 3 submissions from 3 submitters: Pathogenic (2); Likely pathogenic (1). Last evaluated 2025-11-06.

Conditions:
Sulfite oxidase deficiency due to molybdenum cofactor deficiency type B1 (MOCODB1). Also called: Molybdenum cofactor deficiency, complementation group B; MOLYBDENUM COFACTOR DEFICIENCY, TYPE B1; Molybdenum cofactor deficiency B; Sulfite oxidase deficiency due to molybdenum cofactor deficiency type B. Identifiers: Orphanet 308393, Orphanet 833, MedGen C6065887, MONDO:0009644, OMIM 252160.

Allele frequency attached by ClinVar (database versions not stated): gnomAD exomes below 0.00001; TOPMed 0.00003.
gnomAD v4.1: 2 of 1,613,510 alleles (0.00012%); highest among the groups gnomAD compares: Non-Finnish European, 0.00017%; no homozygotes.

Submissions (3):

Labcorp Genetics (formerly Invitae), Labcorp
Classification: Likely pathogenic. Last evaluated: 2025-11-06. Review status: criteria provided, single submitter. Criteria: Invitae Variant Classification Sherloc (09022015). Collection method: clinical testing. Allele origin: germline.
Comment: This sequence change affects a donor splice site in intron 5 of the MOCS2B gene. It is expected to disrupt RNA splicing. Variants that disrupt the donor or acceptor splice site typically lead to a loss of protein function (PMID: 16199547), and loss-of-function variants in MOCS2B are known to be pathogenic (PMID: 21031595). This variant is present in population databases (no rsID available, gnomAD 0.0009%). Disruption of this splice site has been observed in individual(s) with clinical features of molybdenum cofactor deficiency (PMID: 21031595, 25108116, 35192225). This variant is also known as c.564+1G>A. ClinVar contains an entry for this variant (Variation ID: 1211302). Algorithms developed to predict the effect of sequence changes on RNA splicing suggest that this variant may disrupt the consensus splice site. In summary, the currently available evidence indicates that the variant is pathogenic, but additional data are needed to prove that conclusively. Therefore, this variant has been classified as Likely Pathogenic.

Laboratorio de Genetica e Diagnostico Molecular, Hospital Israelita Albert Einstein
Classification: Pathogenic for Sulfite oxidase deficiency due to molybdenum cofactor deficiency type B1. Last evaluated: 2022-06-20. Review status: criteria provided, single submitter. Criteria: ACMG Guidelines, 2015. Collection method: clinical testing. Allele origin: germline. Affected: yes.
Comment: ACMG classification criteria: PVS1 very strong, PS4 supporting, PM2 moderate

GeneDx
Classification: Pathogenic. Last evaluated: 2020-11-23. Review status: criteria provided, single submitter. Criteria: GeneDx Variant Classification Process June 2021. Collection method: clinical testing. Allele origin: germline. Affected: yes.
Comment: Canonical splice site variant in a gene for which loss-of-function is a known mechanism of disease; Not observed at a significant frequency in large population cohorts (Lek et al., 2016); This variant is associated with the following publications: (PMID: 28900816, 25108116, 21031595)

Literature cited by the submitters: PubMed 16199547 (cited by Labcorp Genetics (formerly Invitae), Labcorp); PubMed 21031595 (cited by Labcorp Genetics (formerly Invitae), Labcorp); PubMed 25108116 (cited by Labcorp Genetics (formerly Invitae), Labcorp); PubMed 35192225 (cited by Labcorp Genetics (formerly Invitae), Labcorp).

NM_004531.5(MOCS2):c.377+1G>A

Gene: MOCS2 (molybdenum cofactor synthesis 2; minus strand). Cytogenetic location: 5q11.2.
Variant type: single nucleotide variant.
Coding change: c.377+1G>A on transcript NM_004531.5 (MANE Select); the canonical splice donor site of the intron after coding-DNA position 377, G replaced by A.
Molecular consequence: splice donor variant.
Genome position (GRCh38, 1-based): chr5:53,101,358, C>T on the plus strand (G>A on the coding strand, the complement: MOCS2 is on the minus strand). VCF-style: chr5-53101358-C-T. GRCh37 (hg19) VCF-style: chr5-52397188-C-T.
Other names: c.*297+1G>A (NM_176806.4).
Identifiers: ClinVar variation 1211302 (VCV001211302.10), dbSNP rs1389817466, ClinGen allele CA359692970.
Genomic context (GRCh38, chr5:53,101,358, plus strand): 5'-AGTTAGTACAAAGATGGAAAACAATTACACTTAACTTTTAGAGTGATAAAGGAAATCATA[C>T]CCAAGTCTATGGAACACTGCTATGTGTTTGACTGGCCATTTCTGCCTAATGTCACTACAA-3'